The following is an entry in ClinVar:

ClinVar aggregate classification (germline): Pathogenic (1 of 4 stars; one submission).

Conditions:
Epilepsy. Also called: Seizure disorder. Identifiers: MedGen C0014544, MeSH D004827, MONDO:0005027.

Submission:

Labcorp Genetics (formerly Invitae), Labcorp
Classification: Pathogenic for Epilepsy. Last evaluated: 2025-03-17. Review status: criteria provided, single submitter. Criteria: Invitae Variant Classification Sherloc (09022015). Collection method: clinical testing. Allele origin: germline.
Comment: This sequence change creates a premature translational stop signal (p.Ala86Cysfs*6) in the PIGQ gene. It is expected to result in an absent or disrupted protein product. Loss-of-function variants in PIGQ are known to be pathogenic (PMID: 24463883, 25558065). This variant is not present in population databases (gnomAD no frequency). This variant has not been reported in the literature in individuals affected with PIGQ-related conditions. ClinVar contains an entry for this variant (Variation ID: 2067066). For these reasons, this variant has been classified as Pathogenic.

Literature cited by the submitters: PubMed 24463883; PubMed 25558065.

NM_004204.5(PIGQ):c.254dup (p.Ala86fs)

Gene: PIGQ (phosphatidylinositol glycan anchor biosynthesis class Q; plus strand). Cytogenetic location: 16p13.3.
Variant type: Duplication.
Coding change: c.254dup on transcript NM_004204.5 (MANE Select); coding-DNA position 254, one base duplicated (G; older notation c.254dupG).
Protein change: p.Ala86fs; shifts the reading frame from alanine 86.
Molecular consequence: frameshift variant.
Genome position (GRCh38, 1-based): chr16:574,328, G duplicated; the last of 3 consecutive G bases (chr16:574,326-574,328); duplicating any one gives the same sequence. VCF-style (leftmost placement, unchanged base first): chr16-574325-T-TG. GRCh37 (hg19) VCF-style: chr16-624325-T-TG.
Other names: c.254dup, p.Ala86fs (NM_148920.4); short protein forms A86fs.
Identifiers: ClinVar variation 2067066 (VCV002067066.4), dbSNP rs2505931126, ClinGen allele CA2575857555.
Genomic context (GRCh38, chr16:574,325, plus strand): 5'-GCACCTGGTGCCACTGCCGGCAGGAGCCCGAGGAGAGCCTGGGCCGCTTCCTGGAGAGCC[T>TG]GGGTGCTGTCTTCCCCCATGAGCCCTGGCTGCGGCTGTGCCGGGAGAGAGGCGGCACGTT-3'